The following is an entry in ClinVar:

ClinVar aggregate classification (germline): Conflicting classifications of pathogenicity. Review status: criteria provided, conflicting classifications (1 of 4 stars). 2 submissions from 2 submitters: Uncertain significance (1); Likely benign (1). Last evaluated 2025-08-27.

Conditions:
LTBP4-related disorder. Also called: LTBP4-related condition.
Inborn genetic diseases. Identifiers: MedGen C0950123, MeSH D030342.

Submissions (2):

Ambry Genetics
Classification: Uncertain significance for Inborn genetic diseases. Last evaluated: 2025-08-27. Review status: criteria provided, single submitter. Criteria: Ambry Variant Classification Scheme 2023. Collection method: clinical testing. Allele origin: germline.

PreventionGenetics, part of Exact Sciences
Classification: Likely benign for LTBP4-related condition. Last evaluated: 2019-03-22. Review status: criteria provided, single submitter. Criteria: ACMG Guidelines, 2015. Collection method: clinical testing. Allele origin: germline.
Comment: This variant is classified as likely benign based on ACMG/AMP sequence variant interpretation guidelines (Richards et al. 2015 PMID: 25741868, with internal and published modifications).

NM_001042545.2(LTBP4):c.3131A>G (p.Glu1044Gly)

Gene: LTBP4 (latent transforming growth factor beta binding protein 4; plus strand). Cytogenetic location: 19q13.2.
Variant type: single nucleotide variant.
Coding change: c.3131A>G on transcript NM_001042545.2 (MANE Select); coding-DNA position 3131, A replaced by G.
Protein change: p.Glu1044Gly; replaces glutamic acid 1044 with glycine.
Molecular consequence: missense variant.
Genome position (GRCh38, 1-based): chr19:40,619,407, A>G. VCF-style: chr19-40619407-A-G. GRCh37 (hg19) VCF-style: chr19-41125312-A-G.
Other names: c.3332A>G, p.Glu1111Gly (NM_001042544.1); c.3221A>G, p.Glu1074Gly (NM_003573.2); short protein forms E1044G, E1074G, E1111G.
Identifiers: ClinVar variation 3034540 (VCV003034540.2), dbSNP rs2515377150, ClinGen allele CA405940783.
Genomic context (GRCh38, chr19:40,619,407, plus strand): 5'-ATGTGAACGAGTGTGAAACACTACAGGGTGTATGTGGAGCTGCCCTGTGTGAAAATGTCG[A>G]AGGCTCCTTCCTCTGTGTCTGCCCCAACAGCCCGGAAGAGTTTGACCCCATGACTGGACG-3'
Protein context (NP_001036010.1, residues 1034-1054): VCGAALCENV[Glu1044Gly]GSFLCVCPNS